The following is an entry in ClinVar:

NM_000137.4(FAH):c.583C>G (p.Leu195Val)

Gene: FAH (fumarylacetoacetate hydrolase; plus strand). Cytogenetic location: 15q25.1.
Variant type: single nucleotide variant.
Coding change: c.583C>G on transcript NM_000137.4 (MANE Select); coding-DNA position 583, C replaced by G.
Protein change: p.Leu195Val; replaces leucine 195 with valine.
Molecular consequence: missense variant.
Genome position (GRCh38, 1-based): chr15:80,168,293, C>G. VCF-style: chr15-80168293-C-G. GRCh37 (hg19) VCF-style: chr15-80460635-C-G.
Other names: c.583C>G, p.Leu195Val (NM_001374377.1, NM_001374380.1); c.583C>G (NM_000137.2); short protein forms L195V.
Identifiers: ClinVar variation 597632 (VCV000597632.7), dbSNP rs1002962662, ClinGen allele CA274026311.

ClinVar aggregate classification (germline): Uncertain significance. Review status: criteria provided, multiple submitters, no conflicts (2 of 4 stars). 3 submissions from 3 submitters: Uncertain significance (3). Last evaluated 2024-12-28.

Conditions:
Inborn genetic diseases. Identifiers: MedGen C0950123, MeSH D030342.
Tyrosinemia type I (TYRSN1). Also called: Tyrosinemia type 1; Fumarylacetoacetase deficiency; Deficiency of fumarylacetoacetase; FAH DEFICIENCY; HEPATORENAL TYROSINEMIA. Identifiers: Orphanet 882, MedGen C0268490, MONDO:0010161, OMIM 276700. Disease mechanism: loss of function.

Allele frequency attached by ClinVar (database versions not stated): gnomAD exomes 0.00001; TOPMed 0.00010; gnomAD 0.00011 and 0.00013.
gnomAD v4.1: 27 of 1,611,504 alleles (0.0017%); highest among the groups gnomAD compares: African/African-American, 0.032%; no homozygotes.

Submissions (3):

Ambry Genetics
Classification: Uncertain significance for Inborn genetic diseases. Last evaluated: 2024-12-28. Review status: criteria provided, single submitter. Criteria: Ambry Variant Classification Scheme 2023. Collection method: clinical testing. Allele origin: germline.

Labcorp Genetics (formerly Invitae), Labcorp
Classification: Uncertain significance for Tyrosinemia type I. Last evaluated: 2021-09-02. Review status: criteria provided, single submitter. Criteria: Invitae Variant Classification Sherloc (09022015). Collection method: clinical testing. Allele origin: germline.
Comment: This sequence change replaces leucine with valine at codon 195 of the FAH protein (p.Leu195Val). The leucine residue is moderately conserved and there is a small physicochemical difference between leucine and valine. This variant is not present in population databases (ExAC no frequency). This variant has not been reported in the literature in individuals affected with FAH-related conditions. ClinVar contains an entry for this variant (Variation ID: 597632). Algorithms developed to predict the effect of missense changes on protein structure and function (SIFT, PolyPhen-2, Align-GVGD) all suggest that this variant is likely to be tolerated. Algorithms developed to predict the effect of sequence changes on RNA splicing suggest that this variant may create or strengthen a splice site. In summary, the available evidence is currently insufficient to determine the role of this variant in disease. Therefore, it has been classified as a Variant of Uncertain Significance.

Eurofins Ntd Llc (ga)
Classification: Uncertain significance. Last evaluated: 2018-06-22. Review status: criteria provided, single submitter. Criteria: EGL ClinVar v180209 classification definitions. Collection method: clinical testing. Allele origin: germline. Observed: 1 variant allele, 1 heterozygote.